The following is an entry in ClinVar:

ClinVar aggregate classification (germline): Uncertain significance (1 of 4 stars; one submission).

Conditions:
RYR1-related disorder. Also called: RYR1-related condition; RYR1-related disorders. Identifiers: MedGen CN239331.

gnomAD v4.1: 1 of 1,612,624 alleles (0.000062%); highest among the groups gnomAD compares: South Asian, 0.0011%; no homozygotes.

Submission:

Labcorp Genetics (formerly Invitae), Labcorp
Classification: Uncertain significance for RYR1-related disorder. Last evaluated: 2025-08-23. Review status: criteria provided, single submitter. Criteria: Invitae Variant Classification Sherloc (09022015). Collection method: clinical testing. Allele origin: germline.
Comment: This sequence change falls in intron 87 of the RYR1 gene. It does not directly change the encoded amino acid sequence of the RYR1 protein. This variant is not present in population databases (gnomAD no frequency). This variant has not been reported in the literature in individuals affected with RYR1-related conditions. Algorithms developed to predict the effect of sequence changes on RNA splicing suggest that this variant may create or strengthen a splice site. In summary, the available evidence is currently insufficient to determine the role of this variant in disease. Therefore, it has been classified as a Variant of Uncertain Significance.

NM_000540.3(RYR1):c.12013-16G>C

Gene: RYR1 (ryanodine receptor 1; plus strand). Cytogenetic location: 19q13.2.
Variant type: single nucleotide variant.
Coding change: c.12013-16G>C on transcript NM_000540.3 (MANE Select); 16 bases into the intron before coding-DNA position 12013, G replaced by C.
Molecular consequence: intron variant.
Genome position (GRCh38, 1-based): chr19:38,546,429, G>C. VCF-style: chr19-38546429-G-C. GRCh37 (hg19) VCF-style: chr19-39037069-G-C.
Other names: c.11998-16G>C (NM_001042723.2).
Identifiers: ClinVar variation 4746528 (VCV004746528.1).
Genomic context (GRCh38, chr19:38,546,429, plus strand): 5'-GGTGAGGAGGGGGAGAAGCAACAGAGGTGGGGGAGGTGTATGCTGAGACCAGCCCTCACC[G>C]AGCTGGGATCTCTAGGACTCAAGCCAGATCGAGCTGCTGAAGGAGCTGCTGGATCTGCAG-3'